The following is an entry in ClinVar:

NM_152641.4(ARID2):c.5245A>G (p.Arg1749Gly)

Gene: ARID2 (AT-rich interaction domain 2; plus strand). Cytogenetic location: 12q12.
Variant type: single nucleotide variant.
Coding change: c.5245A>G on transcript NM_152641.4 (MANE Select); coding-DNA position 5245, A replaced by G.
Protein change: p.Arg1749Gly; replaces arginine 1749 with glycine.
Molecular consequence: missense variant.
Genome position (GRCh38, 1-based): chr12:45,893,517, A>G. VCF-style: chr12-45893517-A-G. GRCh37 (hg19) VCF-style: chr12-46287300-A-G.
Other names: c.5245A>G, p.Arg1749Gly (NM_001347839.2); short protein forms R1749G.
Identifiers: ClinVar variation 3355540 (VCV003355540.2).

ClinVar aggregate classification (germline): Uncertain significance. Review status: criteria provided, single submitter (1 of 4 stars). 2 submissions from 2 submitters: Uncertain significance (1). 1 of the submissions does not count toward it. Last evaluated 2023-04-05.

Conditions:
ARID2-related disorder. Also called: ARID2-related condition.

Submissions (2):

Blueprint Genetics
Classification: Uncertain significance. Last evaluated: 2023-04-05. Review status: criteria provided, single submitter. Criteria: ACMG Guidelines, 2015. Collection method: clinical testing. Allele origin: germline.

PreventionGenetics, part of Exact Sciences
Classification: Uncertain significance for ARID2-related condition. Last evaluated: 2024-03-04. Review status: no assertion criteria provided. Collection method: clinical testing. Allele origin: germline. Not counted in ClinVar's aggregate classification.
Comment: The ARID2 c.5245A>G variant is predicted to result in the amino acid substitution p.Arg1749Gly. To our knowledge, this variant has not been reported in the literature or in a large population database, indicating this variant is rare. At this time, the clinical significance of this variant is uncertain due to the absence of conclusive functional and genetic evidence.